The following is an entry in ClinVar:

ClinVar aggregate classification (germline): Conflicting classifications of pathogenicity. Review status: criteria provided, conflicting classifications (1 of 4 stars). 2 submissions from 2 submitters: Uncertain significance (1); Likely benign (1). Last evaluated 2025-08-23.

Allele frequency attached by ClinVar (database versions not stated): ExAC 0.00022; gnomAD 0.00025; gnomAD exomes 0.00038.
gnomAD v4.1: 572 of 1,552,536 alleles (0.037%); highest among the groups gnomAD compares: Non-Finnish European, 0.047%; 54 homozygotes.

Submissions (2):

Ambry Genetics
Classification: Uncertain significance. Last evaluated: 2025-08-23. Review status: criteria provided, single submitter. Criteria: Ambry Variant Classification Scheme 2023. Collection method: clinical testing. Allele origin: germline.

CeGaT Center for Human Genetics Tuebingen
Classification: Likely benign. Last evaluated: 2024-07-01. Review status: criteria provided, single submitter. Criteria: CeGaT Center For Human Genetics Tuebingen Variant Classification Criteria Version 2. Collection method: clinical testing. Allele origin: germline. Affected: yes. Observed: 1 variant allele.
Comment: C4B: BP4, BS2

NM_001002029.4(C4B):c.3439A>G (p.Ile1147Val)

Gene: C4B (complement C4B (Chido/Rodgers blood group); plus strand). Cytogenetic location: 6p21.33.
Variant type: single nucleotide variant.
Coding change: c.3439A>G on transcript NM_001002029.4 (MANE Select); coding-DNA position 3439, A replaced by G.
Protein change: p.Ile1147Val; replaces isoleucine 1147 with valine.
Molecular consequence: missense variant.
Genome position (GRCh38, 1-based): chr6:32,028,996, A>G. VCF-style: chr6-32028996-A-G. GRCh37 (hg19) VCF-style: chr6-31996773-A-G.
Other names: short protein forms I1147V.
Identifiers: ClinVar variation 2362671 (VCV002362671.20), dbSNP rs781626894, ClinGen allele CA3732089.
Genomic context (GRCh38, chr6:32,028,996, plus strand): 5'-CCTTACTAGGGGGGTTTGGTGGGCAATGATGAGACTGTGGCACTCACAGCCTTTGTGACC[A>G]TCGCCCTTCATCATGGGCTGGCCGTCTTCCAGGATGAGGGTGCAGAGCCATTGAAGCAGA-3'
Protein context (NP_001002029.3, residues 1137-1157): ETVALTAFVT[Ile1147Val]ALHHGLAVFQ